The following is an entry in ClinVar:

ClinVar aggregate classification (germline): Likely benign. Review status: criteria provided, multiple submitters, no conflicts (2 of 4 stars). 4 submissions from 4 submitters: Likely benign (4). Last evaluated 2025-10-11.

Conditions:
Familial thoracic aortic aneurysm and aortic dissection (TAAD). Also called: Thoracic aortic aneurysms and dissections. Identifiers: Orphanet 91387, MedGen C4707243, MONDO:0019625.
Marfan syndrome (MFS). Also called: Marfan syndrome, classic; Marfan syndrome type 1; Marfan's syndrome; FBN1-Related Marfan Syndrome; MARFAN SYNDROME, TYPE I. Identifiers: Orphanet 284963, Orphanet 558, MedGen C0024796, MONDO:0007947, OMIM 154700.

Allele frequency attached by ClinVar (database versions not stated): gnomAD 0.00003 and 0.00002; ExAC 0.00002; 1000 Genomes Project 30x 0.00016; gnomAD exomes 0.00002; 1000 Genomes Project 0.00020; TOPMed 0.00002.
gnomAD v4.1: 10 of 1,614,010 alleles (0.00062%); highest among the groups gnomAD compares: East Asian, 0.016%; no homozygotes.

Submissions (4):

Ambry Genetics
Classification: Likely benign for Familial thoracic aortic aneurysm and aortic dissection. Last evaluated: 2025-10-11. Review status: criteria provided, single submitter. Criteria: Ambry Variant Classification Scheme 2023. Collection method: clinical testing. Allele origin: germline.

Labcorp Genetics (formerly Invitae), Labcorp
Classification: Likely benign for Marfan syndrome; Familial thoracic aortic aneurysm and aortic dissection. Last evaluated: 2025-01-29. Review status: criteria provided, single submitter. Criteria: Invitae Variant Classification Sherloc (09022015). Collection method: clinical testing. Allele origin: germline.

All of Us Research Program, National Institutes of Health
Classification: Likely benign for Marfan syndrome. Last evaluated: 2023-12-13. Review status: criteria provided, single submitter. Criteria: ACMG Guidelines, 2015. Collection method: clinical testing. Allele origin: germline. Inheritance: Autosomal dominant inheritance. Observed: 4 variant alleles, 4 heterozygotes.
Comment: This study involves interpretation of variants in research participants for the purpose of population health screening. Participant phenotype was not available at the time of variant classification. Additional details can be found in publication PMID: 35346344, PMCID: PMC8962531

Color Diagnostics, LLC DBA Color Health
Classification: Likely benign for Familial thoracic aortic aneurysm and aortic dissection. Last evaluated: 2018-10-21. Review status: criteria provided, single submitter. Criteria: ACMG Guidelines, 2015. Collection method: clinical testing. Allele origin: germline.

NM_000138.5(FBN1):c.1566A>G (p.Thr522=)

Gene: FBN1 (fibrillin 1; minus strand). Cytogenetic location: 15q21.1.
Variant type: single nucleotide variant.
Coding change: c.1566A>G on transcript NM_000138.5 (MANE Select); coding-DNA position 1566, A replaced by G.
Protein change: p.Thr522=; no amino-acid change (threonine 522 retained).
Molecular consequence: synonymous variant.
Genome position (GRCh38, 1-based): chr15:48,513,571, T>C on the plus strand (A>G on the coding strand, the complement: FBN1 is on the minus strand). VCF-style: chr15-48513571-T-C. GRCh37 (hg19) VCF-style: chr15-48805768-T-C.
Identifiers: ClinVar variation 927133 (VCV000927133.12), dbSNP rs531264662, ClinGen allele CA044994.